The following is an entry in ClinVar:

ClinVar aggregate classification (germline): Pathogenic (1 of 4 stars; one submission).

Submission:

Dasa
Classification: Pathogenic. Last evaluated: 2024-04-29. Review status: criteria provided, single submitter. Criteria: DASA Assertion Criteria. Collection method: clinical testing. Allele origin: germline.
Comment: NM_206933.4(USH2A):c.14407del (p.Ile4803Leufs*3) introduces a premature termination codon predicted to result in loss of normal protein function. Loss-of-function is an established mechanism of disease for this gene. Based on the available data, this variant is classified as pathogenic.

NM_206933.4(USH2A):c.14407del (p.Ile4803fs)

Gene: USH2A (usherin; minus strand). Cytogenetic location: 1q41.
Variant type: Deletion.
Coding change: c.14407del on transcript NM_206933.4 (MANE Select); coding-DNA position 14407, one base deleted (A; older notation c.14407delA).
Protein change: p.Ile4803fs; shifts the reading frame from isoleucine 4803.
Molecular consequence: frameshift variant.
Genome position (GRCh38, 1-based): chr1:215,648,703, T deleted on the plus strand (A on the coding strand, the reverse complement: USH2A is on the minus strand). VCF-style (leftmost placement, unchanged base first): chr1-215648702-AT-A. GRCh37 (hg19) VCF-style: chr1-215822044-AT-A.
Other names: short protein forms I4803fs.
Identifiers: ClinVar variation 4852005 (VCV004852005.1).